The following is an entry in ClinVar:

NM_000053.4(ATP7B):c.2264A>C (p.Lys755Thr)

Gene: ATP7B (ATPase copper transporting beta; minus strand). Cytogenetic location: 13q14.3.
Variant type: single nucleotide variant.
Coding change: c.2264A>C on transcript NM_000053.4 (MANE Select); coding-DNA position 2264, A replaced by C.
Protein change: p.Lys755Thr; replaces lysine 755 with threonine.
Molecular consequence: missense variant. On other transcripts: intron variant (14), splice acceptor variant (6).
Genome position (GRCh38, 1-based): chr13:51,958,402, T>G on the plus strand (A>C on the coding strand, the complement: ATP7B is on the minus strand). VCF-style: chr13-51958402-T-G. GRCh37 (hg19) VCF-style: chr13-52532538-T-G.
Other names: c.2264A>C, p.Lys755Thr (NM_001406523.1, NM_001406525.1, NM_001406526.1 and 7 more transcripts); c.2012A>C, p.Lys671Thr (NM_001406531.1, NM_001406532.1, NM_001406540.1 and 1 more transcripts); c.1835A>C, p.Lys612Thr (NM_001406539.1); c.1916A>C, p.Lys639Thr (NM_001406543.1); c.1870-795A>C (NM_001406541.1, NM_001406542.1, NM_001005918.3 and 1 more transcripts); c.2122-795A>C (NM_001406527.1, NM_001406528.1, NM_001406534.1 and 2 more transcripts); c.2122-2A>C (NM_001406537.1, NM_001406521.1, NM_001406522.1 and 1 more transcripts); c.1286-8241A>C (NM_001406548.1); and 8 more; short protein forms K612T, K639T, K644T, K671T, K723T, K744T, K755T.
Identifiers: ClinVar variation 3074814 (VCV003074814.2), dbSNP rs2547715355, ClinGen allele CA388022158.
Genomic context (GRCh38, chr13:51,958,402, plus strand): 5'-GCAATGAACACAAAGAGCATGGGGGGCGTGTCGAAGAATGTCACAGGGCTCCTCTCCGCC[T>G]TCTCAGCCACAGCAACCACCAGGATGACCAGAGAATAAACATAAGCAATGCTTGTGGCCA-3'
Protein context (NP_000044.2, residues 745-765): LVILVVAVAE[Lys755Thr]AERSPVTFFD

ClinVar aggregate classification (germline): Uncertain significance. Review status: criteria provided, multiple submitters, no conflicts (2 of 4 stars). 2 submissions from 2 submitters: Uncertain significance (2). Last evaluated 2023-12-13.

Conditions:
Wilson disease (WND). Also called: Wilson's disease. Identifiers: Orphanet 905, MedGen C0019202, MONDO:0010200, OMIM 277900. Disease mechanism: loss of function.

gnomAD v4.1: 14 of 1,614,198 alleles (0.00087%); highest among the groups gnomAD compares: Non-Finnish European, 0.0012%; no homozygotes.

Submissions (2):

All of Us Research Program, National Institutes of Health
Classification: Uncertain significance for Wilson disease. Last evaluated: 2023-12-13. Review status: criteria provided, single submitter. Criteria: ACMG Guidelines, 2015. Collection method: clinical testing. Allele origin: germline. Inheritance: Autosomal recessive inheritance. Observed: 1 variant allele, 1 heterozygote.
Comment: This missense variant replaces lysine with threonine at codon 755 of the ATP7B protein. Computational prediction is inconclusive regarding the impact of this variant on protein structure and function (internally defined REVEL score threshold 0.5 < inconclusive < 0.7, PMID: 27666373). To our knowledge, functional studies have not been reported for this variant. This variant has not been reported in individuals affected with ATP7B-related disorders in the literature. This variant has not been identified in the general population by the Genome Aggregation Database (gnomAD). The available evidence is insufficient to determine the role of this variant in disease conclusively. Therefore, this variant is classified as a Variant of Uncertain Significance.

This study involves interpretation of variants in research participants for the purpose of population health screening. Participant phenotype was not available at the time of variant classification. Additional details can be found in publication PMID: 35346344, PMCID: PMC8962531

Color Diagnostics, LLC DBA Color Health
Classification: Uncertain significance for Wilson disease. Last evaluated: 2023-11-15. Review status: criteria provided, single submitter. Criteria: ACMG Guidelines, 2015. Collection method: clinical testing. Allele origin: germline.
Comment: This missense variant replaces lysine with threonine at codon 755 of the ATP7B protein. Computational prediction is inconclusive regarding the impact of this variant on protein structure and function. To our knowledge, functional studies have not been reported for this variant. This variant has not been reported in individuals affected with ATP7B-related disorders in the literature. This variant has not been identified in the general population by the Genome Aggregation Database (gnomAD). The available evidence is insufficient to determine the role of this variant in disease conclusively. Therefore, this variant is classified as a Variant of Uncertain Significance.